The following is an entry in ClinVar:

ClinVar aggregate classification (germline): Likely benign (0 of 4 stars; one submission).

Conditions:
FOXJ1-related disorder. Also called: FOXJ1-related condition.

Allele frequency attached by ClinVar (database versions not stated): ExAC 0.00007.
gnomAD v4.1: 32 of 1,594,194 alleles (0.002%); highest among the groups gnomAD compares: Non-Finnish European, 0.0026%; no homozygotes.

Submission:

PreventionGenetics, part of Exact Sciences
Classification: Likely benign for FOXJ1-related condition. Last evaluated: 2021-05-21. Review status: no assertion criteria provided. Collection method: clinical testing. Allele origin: germline.
Comment: This variant is classified as likely benign based on ACMG/AMP sequence variant interpretation guidelines (Richards et al. 2015 PMID: 25741868, with internal and published modifications).

NM_001454.4(FOXJ1):c.1086G>A (p.Ser362=)

Gene: FOXJ1 (forkhead box J1; minus strand). Cytogenetic location: 17q25.1.
Variant type: single nucleotide variant.
Coding change: c.1086G>A on transcript NM_001454.4 (MANE Select); coding-DNA position 1086, G replaced by A.
Protein change: p.Ser362=; no amino-acid change (serine 362 retained).
Molecular consequence: synonymous variant.
Genome position (GRCh38, 1-based): chr17:76,137,533, C>T on the plus strand (G>A on the coding strand, the complement: FOXJ1 is on the minus strand). VCF-style: chr17-76137533-C-T. GRCh37 (hg19) VCF-style: chr17-74133614-C-T.
Identifiers: ClinVar variation 3032647 (VCV003032647.2), dbSNP rs767689240, ClinGen allele CA8781892.
Genomic context (GRCh38, chr17:76,137,533, plus strand): 5'-CAGGAAGGATGTGGCCAGGAAGGTCTCATCGAAGTCCAGGCTGTCGGCAGCCTGCTCCAC[C>T]GAAGGCCCCCAGGTGGCAGGGCAGTCGATGTGGCGGCCGTGGATGGTGAGGTCCACGTCC-3'
Protein context (NP_001445.2, residues 352-372): HIDCPATWGP[Ser362=]VEQAADSLDF